The following is an entry in ClinVar:

ClinVar aggregate classification (germline): Likely pathogenic. Review status: criteria provided, single submitter (1 of 4 stars). 2 submissions from 2 submitters: Likely pathogenic (1). 1 of the submissions does not count toward it. Last evaluated 2022-07-29.

Conditions:
Ehlers-Danlos syndrome, type 4 (EDSVASC). Also called: Ehlers-Danlos syndrome vascular type; Ehlers Danlos syndrome, ecchymotic type; Ehlers Danlos syndrome, arterial type; Ehlers Danlos syndrome, Sack-Barabas type; Ehlers-Danlos Syndrome Type IV. Identifiers: Orphanet 286, MedGen C0268338, MONDO:0017314, OMIM 130050.

Submissions (2):

Labcorp Genetics (formerly Invitae), Labcorp
Classification: Likely pathogenic for Ehlers-Danlos syndrome, type 4. Last evaluated: 2022-07-29. Review status: criteria provided, single submitter. Criteria: Invitae Variant Classification Sherloc (09022015). Collection method: clinical testing. Allele origin: germline.
Comment: ClinVar contains an entry for this variant (Variation ID: 101278). Advanced modeling of protein sequence and biophysical properties (such as structural, functional, and spatial information, amino acid conservation, physicochemical variation, residue mobility, and thermodynamic stability) performed at Invitae indicates that this missense variant is expected to disrupt COL3A1 protein function. This variant disrupts the triple helix domain of COL3A1. Glycine residues within the Gly-Xaa-Yaa repeats of the triple helix domain are required for the structure and stability of fibrillar collagens (PMID: 7695699, 8218237, 19344236). In COL3A1, variants that affect these glycine residues are significantly enriched in individuals with disease (PMID: 24922459, 25758994) compared to the general population (ExAC). In summary, the currently available evidence indicates that the variant is pathogenic, but additional data are needed to prove that conclusively. Therefore, this variant has been classified as Likely Pathogenic. This sequence change replaces glycine, which is neutral and non-polar, with serine, which is neutral and polar, at codon 945 of the COL3A1 protein (p.Gly945Ser). This variant is not present in population databases (gnomAD no frequency). This missense change has been observed in individual(s) with vascular Ehlers-Danlos syndrome (PMID: 24922459).

Collagen Diagnostic Laboratory, University of Washington
Classification: Pathogenic for Ehlers-Danlos syndrome, type 4. Review status: no assertion criteria provided. Collection method: clinical testing. Allele origin: germline. Affected: yes. Not counted in ClinVar's aggregate classification.

Literature cited by the submitters: PubMed 7695699 (cited by Labcorp Genetics (formerly Invitae), Labcorp); PubMed 8218237 (cited by Labcorp Genetics (formerly Invitae), Labcorp); PubMed 19344236 (cited by Labcorp Genetics (formerly Invitae), Labcorp); PubMed 24922459 (cited by Labcorp Genetics (formerly Invitae), Labcorp); PubMed 25758994 (cited by Labcorp Genetics (formerly Invitae), Labcorp).

NM_000090.4(COL3A1):c.2833G>A (p.Gly945Ser)

Gene: COL3A1 (collagen type III alpha 1 chain; plus strand). Cytogenetic location: 2q32.2.
Variant type: single nucleotide variant.
Coding change: c.2833G>A on transcript NM_000090.4 (MANE Select); coding-DNA position 2833, G replaced by A.
Protein change: p.Gly945Ser; replaces glycine 945 with serine.
Molecular consequence: missense variant.
Genome position (GRCh38, 1-based): chr2:189,004,266, G>A. VCF-style: chr2-189004266-G-A. GRCh37 (hg19) VCF-style: chr2-189868992-G-A.
Identifiers: ClinVar variation 101278 (VCV000101278.12), dbSNP rs587779567, ClinGen allele CA005741.